The following is an entry in ClinVar:

ClinVar aggregate classification (germline): Pathogenic (1 of 4 stars; one submission).

Conditions:
Gorlin syndrome. Also called: Nevoid Basal Cell Carcinoma Syndrome; Basal cell nevus syndrome. Identifiers: Orphanet 377, MedGen C0004779, MONDO:0007187.
Medulloblastoma (MDB). Also called: MEDULLOBLASTOMA PREDISPOSITION SYNDROME; Medulloblastoma, somatic. Identifiers: Orphanet 616, MedGen C0025149, MeSH D008527, MONDO:0007959, OMIM 155255, HP:0002885.

Submission:

Labcorp Genetics (formerly Invitae), Labcorp
Classification: Pathogenic for Gorlin syndrome; Medulloblastoma. Last evaluated: 2023-03-13. Review status: criteria provided, single submitter. Criteria: Invitae Variant Classification Sherloc (09022015). Collection method: clinical testing. Allele origin: germline.
Comment: For these reasons, this variant has been classified as Pathogenic. Algorithms developed to predict the effect of sequence changes on RNA splicing suggest that this variant may disrupt the consensus splice site. This variant has not been reported in the literature in individuals affected with SUFU-related conditions. This variant is not present in population databases (gnomAD no frequency). This sequence change creates a premature translational stop signal (p.Phe417Cysfs*5) in the SUFU gene. It is expected to result in an absent or disrupted protein product. Loss-of-function variants in SUFU are known to be pathogenic (PMID: 22508808, 25403219, 33024317).

Literature cited by the submitters: PubMed 22508808; PubMed 25403219; PubMed 33024317.

NM_016169.4(SUFU):c.1246_1249dup (p.Phe417fs)

Gene: SUFU (SUFU negative regulator of hedgehog signaling; plus strand). Cytogenetic location: 10q24.32.
Variant type: Duplication.
Coding change: c.1246_1249dup on transcript NM_016169.4 (MANE Select); coding-DNA positions 1246 to 1249, 4 bases duplicated (GCCT; older notation c.1246_1249dupGCCT).
Protein change: p.Phe417fs; shifts the reading frame from phenylalanine 417.
Molecular consequence: frameshift variant.
Genome position (GRCh38, 1-based): chr10:102,617,378-102,617,381, GCCT duplicated. VCF-style (leftmost placement, unchanged base first): chr10-102617377-C-CGCCT. GRCh37 (hg19) VCF-style: chr10-104377134-C-CGCCT.
Other names: c.1246_1249dup, p.Phe417fs (NM_001178133.2); short protein forms F417fs.
Identifiers: ClinVar variation 2945246 (VCV002945246.3), dbSNP rs2492790302, ClinGen allele CA2740093543.